The following continues an entry in ClinVar:

NM_014874.4(MFN2):c.310C>T (p.Arg104Trp)

Gene: MFN2. ClinVar aggregate classification (germline): Pathogenic. Pathogenic (19).

Submissions 13 to 23 of 23:

Ambry Genetics
Classification: Pathogenic for Inborn genetic diseases. Last evaluated: 2021-04-06. Review status: criteria provided, single submitter. Criteria: Ambry Variant Classification Scheme 2023. Collection method: clinical testing. Allele origin: germline.
Comment: The p.R104W pathogenic mutation (also known as c.310C>T), located in coding exon 2 of the MFN2 gene, results from a C to T substitution at nucleotide position 310. The arginine at codon 104 is replaced by tryptophan, an amino acid with dissimilar properties. This amino acid position is highly conserved in available vertebrate species. In addition, this alteration is predicted to be deleterious by in silico analysis. The p.R104W alteration has been reported in multiple patients with Charcot-Marie-Tooth disease (Brockmann K et al. J Neurol, 2008 Jul;255(7):1049-58; Baets J et al. Brain, 2011 Sep;134:2664-76; Genari AB et al. Neuromuscul Disord, 2011 Jun;21:428-32; H&oslash;yer H et al. Biomed Res Int, 2014 Jun;2014:210401). Another alteration at the same codon, p.R104Q (c.311G>A), has been described in a patient with Charcot-Marie-Tooth (Bombelli F et al. JAMA Neurol, 2014 Aug;71:1036-42). The p.R104W amino acid is located in the GTPase domain which is required for mitochondrial membrane fusion reaction, and multiple alterations in this region have been reported (Amiott EA et al. Exp Neurol, 2008 May;211:115-27; Ando M et al. J Peripher Nerv Syst, 2017 09;22:191-199). Based on the supporting evidence, this variant is expected to be causative of autosomal dominant Charcot-Marie-Tooth disease (CMT) type 2A2A and hereditary motor and sensory neuropathy VIA; however, its clinical significance for autosomal recessive Charcot-Marie-Tooth disease (CMT) type 2A2B is unclear.

CMT Laboratory, Bogazici University
Classification: Pathogenic for Charcot-Marie-Tooth disease type 2A2. Last evaluated: 2020-12-01. Review status: criteria provided, single submitter. Criteria: ACMG Guidelines, 2015. Collection method: clinical testing. Allele origin: germline. Affected: yes. Observed: 1 variant allele.

Centre for Mendelian Genomics, University Medical Centre Ljubljana
Classification: Pathogenic for Neuropathy, hereditary motor and sensory, type 6A. Last evaluated: 2019-09-04. Review status: criteria provided, single submitter. Criteria: ACMG Guidelines, 2015. Collection method: clinical testing. Allele origin: unknown. Affected: yes.
Comment: This variant was classified as: Pathogenic. The following ACMG criteria were applied in classifying this variant: PS1,PM1,PM2,PM5,PP3.

Fulgent Genetics
Classification: Pathogenic for Neuropathy, hereditary motor and sensory, type 6A; Charcot-Marie-Tooth disease type 2A2; Charcot-Marie-Tooth disease, axonal, autosomal recessive, type 2a2b;. Last evaluated: 2017-05-18. Review status: criteria provided, single submitter. Criteria: ACMG Guidelines, 2015. Collection method: clinical testing. Allele origin: unknown.

Eurofins Ntd Llc (ga)
Classification: Pathogenic. Last evaluated: 2017-03-01. Review status: criteria provided, single submitter. Criteria: EGL Classification Definitions 2015. Collection method: clinical testing. Allele origin: germline. Observed: 1 variant allele, 1 heterozygote.

Molecular Genetics Laboratory, London Health Sciences Centre
Classification: Pathogenic for Charcot-Marie-Tooth disease. Review status: criteria provided, single submitter. Criteria: ACMG Guidelines, 2015. Collection method: clinical testing. Allele origin: germline. Affected: yes.

Neuberg Centre For Genomic Medicine, NCGM
Classification: Pathogenic for Charcot-Marie-Tooth disease dominant intermediate B. Review status: criteria provided, single submitter. Criteria: ACMG Guidelines, 2015. Collection method: clinical testing. Allele origin: germline. Inheritance: Autosomal dominant inheritance. Affected: yes.

Institute of Human Genetics, Cologne University
Classification: Pathogenic for Charcot-Marie-Tooth disease type 2A2. Last evaluated: 2018-04-25. Review status: no assertion criteria provided. Collection method: clinical testing. Allele origin: de novo. Affected: yes. Not counted in ClinVar's aggregate classification.

Dept. of Medical Genetics, Telemark Hospital Trust, Telemark Hospital Trust
Classification: Pathogenic for Charcot-Marie-Tooth disease. Last evaluated: 2013-11-01. Review status: no assertion criteria provided. Collection method: research. Allele origin: de novo. Affected: yes. Study: Charcot-Marie-Tooth disease study. Not counted in ClinVar's aggregate classification.
Comment: Populational based study of Charcot-Marie-Tooth disease in Norway

OMIM
Classification: Pathogenic for NEUROPATHY, HEREDITARY MOTOR AND SENSORY, TYPE VIA. Last evaluated: 2008-12-09. Review status: no assertion criteria provided. Collection method: literature only. Allele origin: germline. Not counted in ClinVar's aggregate classification.

OMIM
Classification: Pathogenic for CHARCOT-MARIE-TOOTH DISEASE, AXONAL, TYPE 2A2A. Last evaluated: 2008-12-09. Review status: no assertion criteria provided. Collection method: literature only. Allele origin: germline. Not counted in ClinVar's aggregate classification.

Literature cited by the submitters: PubMed 18425620 (cited by 6 submitters); PubMed 18946002 (cited by 5 submitters); PubMed 18957892 (cited by 3 submitters); PubMed 20008656 (cited by 3 submitters); PubMed 21531138 (cited by 6 submitters); PubMed 21840889 (cited by 6 submitters); PubMed 25025039 (cited by 6 submitters); PubMed 22492563 (cited by 3 submitters); PubMed 26307494 (cited by 3 submitters); PubMed 26382835 (cited by 3 submitters); PubMed 35177962 (cited by Plataforma de Genómica Funcional - SJD, Institut De Recerca Sant Joan De Déu); PubMed 26633545 (cited by Baylor Genetics and Laboratório de Neurologia Aplicada e Experimental, Faculdade de Medicina de Ribeirao Preto – Universidade de Sao Paulo); PubMed 28660751 (cited by Laboratório de Neurologia Aplicada e Experimental, Faculdade de Medicina de Ribeirao Preto – Universidade de Sao Paulo and Ambry Genetics); PubMed 26633542 (cited by Laboratório de Neurologia Aplicada e Experimental, Faculdade de Medicina de Ribeirao Preto – Universidade de Sao Paulo); PubMed 24088041 (cited by Laboratório de Neurologia Aplicada e Experimental, Faculdade de Medicina de Ribeirao Preto – Universidade de Sao Paulo); PubMed 21326314 (cited by Laboratório de Neurologia Aplicada e Experimental, Faculdade de Medicina de Ribeirao Preto – Universidade de Sao Paulo); PubMed 18316077 (cited by Ambry Genetics); PubMed 24957169 (cited by Ambry Genetics); PubMed 31673878 (cited by CMT Laboratory, Bogazici University); PMC 4306395 (cited by Dept. of Medical Genetics, Telemark Hospital Trust, Telemark Hospital Trust).